The following is an entry in ClinVar:

NM_003114.5(SPAG1):c.2542del (p.Asp848fs)

Gene: SPAG1 (sperm associated antigen 1; plus strand). Cytogenetic location: 8q22.2.
Variant type: Deletion.
Coding change: c.2542del on transcript NM_003114.5 (MANE Select); coding-DNA position 2542, one base deleted (G; older notation c.2542delG).
Protein change: p.Asp848fs; shifts the reading frame from aspartic acid 848.
Molecular consequence: frameshift variant.
Genome position (GRCh38, 1-based): chr8:100,240,664, G deleted; the last of 4 consecutive G bases (chr8:100,240,661-100,240,664); deleting any one gives the same sequence. VCF-style (leftmost placement, unchanged base first): chr8-100240660-AG-A. GRCh37 (hg19) VCF-style: chr8-101252888-AG-A.
Other names: c.2542del, p.Asp848fs (NM_001374321.1, NM_172218.3); short protein forms D848fs.
Identifiers: ClinVar variation 88684 (VCV000088684.12), dbSNP rs886037653, ClinGen allele CA10602381.

ClinVar aggregate classification (germline): Pathogenic. Review status: criteria provided, multiple submitters, no conflicts (2 of 4 stars). 3 submissions from 3 submitters: Pathogenic (2). 1 of the submissions does not count toward it. Last evaluated 2023-10-06.

Conditions:
SPAG1-related disorder. Also called: SPAG1-related condition.
Primary ciliary dyskinesia 28. Also called: CILIARY DYSKINESIA, PRIMARY, 28, WITH OR WITHOUT SITUS INVERSUS. Identifiers: Orphanet 244, MedGen C3809706, MONDO:0014216, OMIM 615505.
Autosomal dominant nocturnal frontal lobe epilepsy 5. Also called: Epilepsy, nocturnal frontal lobe, 5; KCNT1-Related Epilepsy; CILIARY DYSKINESIA, PRIMARY, 28, WITHOUT SITUS INVERSUS; CILIARY DYSKINESIA, PRIMARY, 28, WITH SITUS INVERSUS. Identifiers: Orphanet 98784, MedGen C3554306, MONDO:0014002, OMIM 615005.

Submissions (3):

Blueprint Genetics
Classification: Pathogenic for SPAG1-related disorders. Last evaluated: 2023-10-06. Review status: criteria provided, single submitter. Criteria: ACMG Guidelines, 2015. Collection method: clinical testing. Allele origin: germline. Affected: yes. Observed: 1 variant allele.

Labcorp Genetics (formerly Invitae), Labcorp
Classification: Pathogenic for Primary ciliary dyskinesia 28. Last evaluated: 2019-12-22. Review status: criteria provided, single submitter. Criteria: Invitae Variant Classification Sherloc (09022015). Collection method: clinical testing. Allele origin: germline.
Comment: For these reasons, this variant has been classified as Pathogenic. Loss-of-function variants in SPAG1 are known to be pathogenic (PMID: 24055112). This variant has been observed in individual(s) with primary ciliary dyskinesia (PMID: 24055112). ClinVar contains an entry for this variant (Variation ID: 88684). This variant is not present in population databases (ExAC no frequency). This sequence change creates a premature translational stop signal (p.Asp848Ilefs*10) in the SPAG1 gene. It is expected to result in an absent or disrupted protein product.

OMIM
Classification: Pathogenic for CILIARY DYSKINESIA, PRIMARY, 28, WITH SITUS INVERSUS. Last evaluated: 2013-10-03. Review status: no assertion criteria provided. Collection method: literature only. Allele origin: germline. Not counted in ClinVar's aggregate classification.

Literature cited by the submitters: PubMed 24055112 (cited by Labcorp Genetics (formerly Invitae), Labcorp and OMIM).